The following is an entry in ClinVar:

NM_000465.4(BARD1):c.1738G>A (p.Glu580Lys)

Gene: BARD1 (BRCA1 associated RING domain 1; minus strand). Cytogenetic location: 2q35.
Variant type: single nucleotide variant.
Coding change: c.1738G>A on transcript NM_000465.4 (MANE Select); coding-DNA position 1738, G replaced by A.
Protein change: p.Glu580Lys; replaces glutamic acid 580 with lysine.
Molecular consequence: missense variant. On other transcripts: non-coding transcript variant (3), intron variant (1).
Genome position (GRCh38, 1-based): chr2:214,745,794, C>T on the plus strand (G>A on the coding strand, the complement: BARD1 is on the minus strand). VCF-style: chr2-214745794-C-T. GRCh37 (hg19) VCF-style: chr2-215610518-C-T.
Other names: p.E580K:GAA>AAA; NP_000456.2:p.Glu580Lys; c.1681G>A, p.Glu561Lys (NM_001282543.2); c.385G>A, p.Glu129Lys (NM_001282545.2); c.328G>A, p.Glu110Lys (NM_001282548.2); c.365-15286G>A (NM_001282549.2); short protein forms E580K, E110K, E129K, E561K.
Identifiers: ClinVar variation 136499 (VCV000136499.45), dbSNP rs35306212, ClinGen allele CA293938.

ClinVar aggregate classification (germline): Benign/Likely benign. Review status: criteria provided, multiple submitters, no conflicts (2 of 4 stars). 18 submissions from 18 submitters: Benign (15); Likely benign (1). 2 of the submissions do not count toward it. Last evaluated 2026-02-03.

Conditions:
Breast and/or ovarian cancer. Identifiers: MedGen CN221562.
Hereditary cancer-predisposing syndrome. Also called: Tumor predisposition; Hereditary neoplastic syndrome; Neoplastic Syndromes, Hereditary; Hereditary Cancer Syndrome. Identifiers: Orphanet 140162, MedGen C0027672, MeSH D009386, MONDO:0015356.
Hereditary breast ovarian cancer syndrome. Also called: Hereditary breast and ovarian cancer; BRCA1- and BRCA2-Associated Hereditary Breast and Ovarian Cancer; Hereditary breast and/or ovarian cancer syndrome; Hereditary breast and ovarian cancer syndrome; Hereditary breast and ovarian cancer syndrome (HBOC); Breast and ovarian cancer. Identifiers: Orphanet 145, MedGen C0677776, MeSH D061325, MONDO:0003582. Disease mechanism: loss of function.
Familial cancer of breast. Also called: hereditary breast carcinoma; Hereditary breast cancer; BREAST CANCER, FAMILIAL. Identifiers: Orphanet 227535, MedGen C0346153, MONDO:0016419, OMIM 114480. Disease mechanism: loss of function.

Allele frequency attached by ClinVar (database versions not stated): gnomAD exomes 0.00049 and 0.00142; ExAC 0.00164; gnomAD 0.00424 and 0.00455; ESP Exome Variant Server 0.00477; 1000 Genomes Project 0.00519; TOPMed 0.00520; 1000 Genomes Project 30x 0.00531.

Submissions (18):

Labcorp Genetics (formerly Invitae), Labcorp
Classification: Benign for Familial cancer of breast. Last evaluated: 2026-02-03. Review status: criteria provided, single submitter. Criteria: Invitae Variant Classification Sherloc (09022015). Collection method: clinical testing. Allele origin: germline.

Center for Genomic Medicine, Rigshospitalet, Copenhagen University Hospital
Classification: Benign. Last evaluated: 2025-03-04. Review status: criteria provided, single submitter. Criteria: ACMG Guidelines, 2015. Collection method: clinical testing. Allele origin: germline.

ARUP Laboratories, Molecular Genetics and Genomics, ARUP Laboratories
Classification: Benign for Familial cancer of breast. Last evaluated: 2024-12-18. Review status: criteria provided, single submitter. Criteria: ARUP Molecular Germline Variant Investigation Process 2024. Collection method: clinical testing. Allele origin: germline.

Blueprint Genetics
Classification: Likely benign. Last evaluated: 2024-10-29. Review status: criteria provided, single submitter. Criteria: ACMG Guidelines, 2015. Collection method: clinical testing. Allele origin: germline.

KCCC/NGS Laboratory, Kuwait Cancer Control Center
Classification: Benign for Familial cancer of breast. Last evaluated: 2023-07-07. Review status: criteria provided, single submitter. Criteria: ACMG Guidelines, 2015. Collection method: clinical testing. Allele origin: germline. Affected: yes.

Myriad Genetics, Inc.
Classification: Benign for Familial cancer of breast. Last evaluated: 2023-02-24. Review status: criteria provided, single submitter. Criteria: Myriad Autosomal Dominant, Autosomal Recessive and X-Linked Classification Criteria (2023). Collection method: clinical testing. Allele origin: unknown.
Comment: This variant is considered benign. This variant has been observed at a population frequency that is significantly greater than expected given the associated disease prevalence and penetrance. This variant is strongly associated with less severe personal and family histories of cancer, typical for individuals without pathogenic variants in this gene [PMID: 25085752].

CHEO Genetics Diagnostic Laboratory, Children's Hospital of Eastern Ontario
Classification: Benign for Breast and/or ovarian cancer. Last evaluated: 2022-09-22. Review status: criteria provided, single submitter. Criteria: ACMG Guidelines, 2015. Collection method: clinical testing. Allele origin: germline.

Institute for Biomarker Research, Medical Diagnostic Laboratories, L.L.C.
Classification: Benign for Hereditary cancer-predisposing syndrome. Last evaluated: 2022-09-08. Review status: criteria provided, single submitter. Criteria: ACMG Guidelines, 2015. Collection method: clinical testing. Allele origin: germline.

National Health Laboratory Service, Universitas Academic Hospital and University of the Free State
Classification: Benign for Hereditary breast ovarian cancer syndrome. Last evaluated: 2022-04-19. Review status: criteria provided, single submitter. Criteria: ACMG Guidelines, 2015. Collection method: clinical testing. Allele origin: germline. Affected: yes. Observed: 20 variant alleles.

Quest Diagnostics Nichols Institute San Juan Capistrano
Classification: Benign. Last evaluated: 2020-10-02. Review status: criteria provided, single submitter. Criteria: Quest Diagnostics criteria. Collection method: clinical testing. Allele origin: unknown.

Illumina Laboratory Services, Illumina
Classification: Benign for Familial cancer of breast. Last evaluated: 2018-01-12. Review status: criteria provided, single submitter. Criteria: ICSL Variant Classification Criteria 13 December 2019. Collection method: clinical testing. Allele origin: germline.
Comment: This variant was observed in the ICSL laboratory as part of a predisposition screen in an ostensibly healthy population. It had not been previously curated by ICSL or reported in the Human Gene Mutation Database (HGMD: prior to June 1st, 2018), and was therefore a candidate for classification through an automated scoring system. Utilizing variant allele frequency, disease prevalence and penetrance estimates, and inheritance mode, an automated score was calculated to assess if this variant is too frequent to cause the disease. Based on the score and internal cut-off values, a variant classified as benign is not then subjected to further curation. The score for this variant resulted in a classification of benign for this disease.

PreventionGenetics, part of Exact Sciences
Classification: Benign. Last evaluated: 2017-01-10. Review status: criteria provided, single submitter. Criteria: ACMG Guidelines, 2015. Collection method: clinical testing. Allele origin: germline.

Ambry Genetics
Classification: Benign for Hereditary cancer-predisposing syndrome. Last evaluated: 2014-11-26. Review status: criteria provided, single submitter. Criteria: Ambry Variant Classification Scheme 2023. Collection method: clinical testing. Allele origin: germline.

Color Diagnostics, LLC DBA Color Health
Classification: Benign for Hereditary cancer-predisposing syndrome. Last evaluated: 2014-11-20. Review status: criteria provided, single submitter. Criteria: ACMG Guidelines, 2015. Collection method: clinical testing. Allele origin: germline.

GeneDx
Classification: Benign. Last evaluated: 2013-10-23. Review status: criteria provided, single submitter. Criteria: GeneDx Variant Classification (06012015). Collection method: clinical testing. Allele origin: germline. Affected: yes.
Comment: This variant is considered likely benign or benign based on one or more of the following criteria: it is a conservative change, it occurs at a poorly conserved position in the protein, it is predicted to be benign by multiple in silico algorithms, and/or has population frequency not consistent with disease.

Breakthrough Genomics
Classification: Benign. Review status: criteria provided, single submitter. Criteria: ACMG Guidelines, 2015. Collection method: not provided. Allele origin: germline. Inheritance: Autosomal dominant inheritance. Affected: yes.

Counsyl
Classification: Benign for Familial cancer of breast. Last evaluated: 2016-05-25. Review status: no assertion criteria provided. Collection method: clinical testing. Allele origin: unknown. Not counted in ClinVar's aggregate classification.

Department of Pathology and Laboratory Medicine, Sinai Health System
Classification: Likely benign. Review status: no assertion criteria provided. Collection method: clinical testing. Allele origin: unknown. Affected: yes. Observed: 2 variant alleles. Study: The Canadian Open Genetics Repository (COGR). Not counted in ClinVar's aggregate classification.
Comment: The BARD1 p.Glu580Lys variant was not identified in the literature nor was it identified in the Cosmic and MutDB, databases. The variant was identified in dbSNP (ID: rs35306212) as â€šÃ„ÃºWith Likely benign alleleâ€šÃ„Ã¹ and in the ClinVar and Clinvitae databases as benign by GeneDx, Ambry Genetics, Invitae, Counsly, Quest diagnostics Nicholds Institue San Juan Capistrano and as likely benign by Illumina. The variant is identified 1X in the Zhejiang Colon Cancer Database databases with no further data given. The variant was also identified in the 1000 Genomes Project in 26 of 5000 chromosomes (frequency: 0.005) and in the NHLBI GO Exome Sequencing Project in 1 of 8600 European American and in 61 of 4406 African American alleles. The variant was further identified in control databases in 475 of 277030 chromosomes (2 homozygous) at a frequency of 0.002 increasing the likelihood this could be a low frequency benign variant (Genome Aggregation Database Feb 27, 2017). Breakdown of the observations by population include African in 391 of 24036 chromosomes (freq: 0.02), Other in 14 of 6458 chromosomes (freq: 0.002), Latino in 58 of 34418 chromosomes (freq: 0.002), European Non-Finnish in 10 of 126528 chromosomes (freq: 0.00008), and South Asian in 2 of 30782 chromosomes (freq: 0.00007), while the variant was not observed in the Ashkenazi Jewish, East Asian, European Finnish, populations. The p.Glu580Lys residue is not conserved in mammals and computational analyses (PolyPhen-2, SIFT, AlignGVGD, BLOSUM, MutationTaster) do not suggest a high likelihood of impact to the protein; however, this information is not predictive enough to rule out pathogenicity. The variant occurs outside of the splicing consensus sequence and 1 of 5 in silico or computational prediction software programs (SpliceSiteFinder, MaxEntScan, NNSPLICE, GeneSplicer, HumanSpliceFinder) predict a greater than 10% difference in splicing; this is not very predictive of pathogenicity. In summary, based on the above information this variant meets our laboratory's criteria to be classified as likely benign.

Literature cited by the submitters: PubMed 25085752 (cited by Myriad Genetics, Inc.); PubMed 25318351 (cited by Quest Diagnostics Nichols Institute San Juan Capistrano); PubMed 25980754 (cited by Quest Diagnostics Nichols Institute San Juan Capistrano and Counsyl); PubMed 26787654 (cited by Counsyl); PubMed 25186627 (cited by Counsyl).